The following is an entry in ClinVar:

ClinVar aggregate classification (germline): Likely benign. Review status: criteria provided, multiple submitters, no conflicts (2 of 4 stars). 4 submissions from 4 submitters: Likely benign (4). Last evaluated 2026-07-08.

Conditions:
Cardiovascular phenotype. Identifiers: MedGen CN230736.
JAG1-related disorder. Also called: JAG1-related disorders; JAG1-related condition.

gnomAD v4.1: 8 of 1,614,066 alleles (0.0005%); highest among the groups gnomAD compares: African/African-American, 0.0027%; no homozygotes.

Submissions (4):

PreventionGenetics, part of Exact Sciences
Classification: Likely benign for JAG1-related condition. Last evaluated: 2026-07-08. Review status: criteria provided, single submitter. Criteria: ACMG Guidelines, 2015. Collection method: clinical testing. Allele origin: germline.
Comment: This variant is classified as likely benign based on ACMG/AMP sequence variant interpretation guidelines (Richards et al. 2015 PMID: 25741868, with internal and published modifications).

Ambry Genetics
Classification: Likely benign for Cardiovascular phenotype. Last evaluated: 2023-09-08. Review status: criteria provided, single submitter. Criteria: Ambry Variant Classification Scheme 2023. Collection method: clinical testing. Allele origin: germline.

Blueprint Genetics
Classification: Likely benign. Last evaluated: 2022-08-30. Review status: criteria provided, single submitter. Criteria: ACMG Guidelines, 2015. Collection method: clinical testing. Allele origin: germline.

Labcorp Genetics (formerly Invitae), Labcorp
Classification: Likely benign. Last evaluated: 2017-12-12. Review status: criteria provided, single submitter. Criteria: Invitae Variant Classification Sherloc (09022015). Collection method: clinical testing. Allele origin: germline.

NM_000214.3(JAG1):c.807G>C (p.Pro269=)

Gene: JAG1 (jagged canonical Notch ligand 1; minus strand). Cytogenetic location: 20p12.2.
Variant type: single nucleotide variant.
Coding change: c.807G>C on transcript NM_000214.3 (MANE Select); coding-DNA position 807, G replaced by C.
Protein change: p.Pro269=; no amino-acid change (proline 269 retained).
Molecular consequence: synonymous variant.
Genome position (GRCh38, 1-based): chr20:10,652,547, C>G on the plus strand (G>C on the coding strand, the complement: JAG1 is on the minus strand). VCF-style: chr20-10652547-C-G. GRCh37 (hg19) VCF-style: chr20-10633195-C-G.
Identifiers: ClinVar variation 734748 (VCV000734748.7), dbSNP rs753646278, ClinGen allele CA9765045.